The following is an entry in ClinVar:

NM_004364.5(CEBPA):c.788T>G (p.Leu263Arg)

Gene: CEBPA (CCAAT enhancer binding protein alpha; minus strand). Cytogenetic location: 19q13.11.
Variant type: single nucleotide variant.
Coding change: c.788T>G on transcript NM_004364.5 (MANE Select); coding-DNA position 788, T replaced by G.
Protein change: p.Leu263Arg; replaces leucine 263 with arginine.
Molecular consequence: missense variant.
Genome position (GRCh38, 1-based): chr19:33,301,627, A>C on the plus strand (T>G on the coding strand, the complement: CEBPA is on the minus strand). VCF-style: chr19-33301627-A-C. GRCh37 (hg19) VCF-style: chr19-33792533-A-C.
Other names: c.431T>G, p.Leu144Arg (NM_001285829.2); c.893T>G, p.Leu298Arg (NM_001287424.2); c.746T>G, p.Leu249Arg (NM_001287435.2); short protein forms L144R, L249R, L263R, L298R.
Identifiers: ClinVar variation 1719409 (VCV001719409.6), dbSNP rs2145260089, ClinGen allele CA405274212.

ClinVar aggregate classification (germline): Uncertain significance (1 of 4 stars; one submission).

Conditions:
Acute myeloid leukemia (AML). Also called: Leukemia, acute myeloid, somatic; Leukemia, acute myelogenous, somatic; Acute myeloid leukemia, adult; AML adult; Acute non-lymphocytic leukemia; Acute granulocytic leukemia. Identifiers: Orphanet 519, MedGen C0023467, MeSH D015470, MONDO:0018874, OMIM 601626, HP:0004808. Disease mechanism: Constitutively activated FLT3.

Submission:

Labcorp Genetics (formerly Invitae), Labcorp
Classification: Uncertain significance for Acute myeloid leukemia. Last evaluated: 2022-09-14. Review status: criteria provided, single submitter. Criteria: Invitae Variant Classification Sherloc (09022015). Collection method: clinical testing. Allele origin: germline.
Comment: In summary, the available evidence is currently insufficient to determine the role of this variant in disease. Therefore, it has been classified as a Variant of Uncertain Significance. This sequence change replaces leucine, which is neutral and non-polar, with arginine, which is basic and polar, at codon 263 of the CEBPA protein (p.Leu263Arg). This variant is not present in population databases (gnomAD no frequency). This variant has not been reported in the literature in individuals affected with CEBPA-related conditions. Advanced modeling of protein sequence and biophysical properties (such as structural, functional, and spatial information, amino acid conservation, physicochemical variation, residue mobility, and thermodynamic stability) performed at Invitae indicates that this missense variant is not expected to disrupt CEBPA protein function.